The following is an entry in ClinVar:

ClinVar aggregate classification (germline): Uncertain significance (1 of 4 stars; one submission).

Conditions:
Ehlers-Danlos syndrome, classic type, 1 (EDSCL1). Also called: EHLERS-DANLOS SYNDROME, GRAVIS TYPE; EHLERS-DANLOS SYNDROME, SEVERE CLASSIC TYPE; Ehlers-Danlos syndrome, type 1; Ehlers-Danlos Syndrome, Classic Type, COL5A1-Related; EDS I. Identifiers: MedGen C0268335, MONDO:0019567, OMIM 130000.

Allele frequency attached by ClinVar (database versions not stated): ExAC 0.00001; gnomAD exomes below 0.00001.
gnomAD v4.1: 6 of 1,613,870 alleles (0.00037%); highest among the groups gnomAD compares: Non-Finnish European, 0.00051%; no homozygotes.

Submission:

Labcorp Genetics (formerly Invitae), Labcorp
Classification: Uncertain significance for Ehlers-Danlos syndrome, classic type, 1. Last evaluated: 2021-04-24. Review status: criteria provided, single submitter. Criteria: Invitae Variant Classification Sherloc (09022015). Collection method: clinical testing. Allele origin: germline.
Comment: This sequence change replaces glutamic acid with lysine at codon 214 of the COL5A1 protein (p.Glu214Lys). The glutamic acid residue is moderately conserved and there is a small physicochemical difference between glutamic acid and lysine. The frequency data for this variant in the population databases is considered unreliable, as metrics indicate poor data quality at this position in the ExAC database. This variant has not been reported in the literature in individuals with COL5A1-related conditions. Advanced modeling of protein sequence and biophysical properties (such as structural, functional, and spatial information, amino acid conservation, physicochemical variation, residue mobility, and thermodynamic stability) performed at Invitae indicates that this missense variant is not expected to disrupt COL5A1 protein function. In summary, the available evidence is currently insufficient to determine the role of this variant in disease. Therefore, it has been classified as a Variant of Uncertain Significance.

NM_000093.5(COL5A1):c.640G>A (p.Glu214Lys)

Gene: COL5A1 (collagen type V alpha 1 chain; plus strand). Cytogenetic location: 9q34.3.
Variant type: single nucleotide variant.
Coding change: c.640G>A on transcript NM_000093.5 (MANE Select); coding-DNA position 640, G replaced by A.
Protein change: p.Glu214Lys; replaces glutamic acid 214 with lysine.
Molecular consequence: missense variant.
Genome position (GRCh38, 1-based): chr9:134,701,319, G>A. VCF-style: chr9-134701319-G-A. GRCh37 (hg19) VCF-style: chr9-137593165-G-A.
Other names: c.640G>A, p.Glu214Lys (NM_001278074.1); short protein forms E214K.
Identifiers: ClinVar variation 1423932 (VCV001423932.8), dbSNP rs763107415, ClinGen allele CA5318370.
Genomic context (GRCh38, chr9:134,701,319, plus strand): 5'-AGCGACCACCCCATGATCGACATCAATGGCATCATCGTGTTTGGCACCCGGATCCTGGAT[G>A]AGGAGGTGTTTGAGGTGAGCAGGAGGGCAGACCAACCCCTGTGCCCACCAGGGCACTCCT-3'
Protein context (NP_000084.3, residues 204-224): IIVFGTRILD[Glu214Lys]EVFEGDIQQL